The following is an entry in ClinVar:

ClinVar aggregate classification (germline): Likely benign (1 of 4 stars; one submission).

gnomAD v4.1: 7,894 of 1,305,434 alleles (0.6%); highest among the groups gnomAD compares: Non-Finnish European, 0.75%; 27 homozygotes.

Submission:

CeGaT Center for Human Genetics Tuebingen
Classification: Likely benign. Last evaluated: 2026-09-01. Review status: criteria provided, single submitter. Criteria: CeGaT Center For Human Genetics Tuebingen Variant Classification Criteria Version 2. Collection method: clinical testing. Allele origin: germline. Affected: yes. Observed: 4 variant alleles.
Comment: ZFHX3: BS2; C16orf47: BP4, BS2

NM_001386735.1(ZFHX3):c.-414+3520C>G

Genes: C16orf47 (chromosome 16 open reading frame 47; minus strand), ZFHX3 (zinc finger homeobox 3; minus strand). Cytogenetic location: 16q22.3.
Variant type: single nucleotide variant.
Coding change: c.-414+3520C>G on transcript NM_001386735.1; 3520 bases into the intron after 414 bases upstream of the start codon, C replaced by G.
Molecular consequence: intron variant. On other transcripts: non-coding transcript variant (1).
Genome position (GRCh38, 1-based): chr16:73,127,448, G>C on the plus strand (C>G on the coding strand, the complement: ZFHX3 is on the minus strand). VCF-style: chr16-73127448-G-C. GRCh37 (hg19) VCF-style: chr16-73161347-G-C.
Identifiers: ClinVar variation 4533503 (VCV004533503.6).
Genomic context (GRCh38, chr16:73,127,448, plus strand): 5'-ATATTTTTGGGGCCAGAGCCTTCCCAGGTAGTAGCTGGAGCATCTCTGTTCCGGAACTGA[G>C]ACATCAAGCGAGAGCCGGGCATCGACAGGCAAGATCACTGGTCCCTGGTGATGGATGGGG-3'